The following is an entry in ClinVar:

ClinVar aggregate classification (germline): Uncertain significance (1 of 4 stars; one submission).

Conditions:
Perlman syndrome (PRLMNS). Identifiers: Orphanet 2849, MedGen C0796113, MONDO:0009965, OMIM 267000.

Allele frequency attached by ClinVar (database versions not stated): gnomAD exomes below 0.00001.
gnomAD v4.1: 1 of 1,613,004 alleles (0.000062%); highest among the groups gnomAD compares: Non-Finnish European, 0.000085%; no homozygotes.

Submission:

Labcorp Genetics (formerly Invitae), Labcorp
Classification: Uncertain significance for Perlman syndrome. Last evaluated: 2023-05-30. Review status: criteria provided, single submitter. Criteria: Invitae Variant Classification Sherloc (09022015). Collection method: clinical testing. Allele origin: germline.
Comment: This sequence change replaces aspartic acid, which is acidic and polar, with glycine, which is neutral and non-polar, at codon 626 of the DIS3L2 protein (p.Asp626Gly). This variant is not present in population databases (gnomAD no frequency). This variant has not been reported in the literature in individuals affected with DIS3L2-related conditions. ClinVar contains an entry for this variant (Variation ID: 1513491). Advanced modeling of protein sequence and biophysical properties (such as structural, functional, and spatial information, amino acid conservation, physicochemical variation, residue mobility, and thermodynamic stability) performed at Invitae indicates that this missense variant is not expected to disrupt DIS3L2 protein function. In summary, the available evidence is currently insufficient to determine the role of this variant in disease. Therefore, it has been classified as a Variant of Uncertain Significance.

NM_152383.5(DIS3L2):c.1877A>G (p.Asp626Gly)

Gene: DIS3L2 (DIS3 like 3'-5' exoribonuclease 2; plus strand). Cytogenetic location: 2q37.1.
Variant type: single nucleotide variant.
Coding change: c.1877A>G on transcript NM_152383.5 (MANE Select); coding-DNA position 1877, A replaced by G.
Protein change: p.Asp626Gly; replaces aspartic acid 626 with glycine.
Molecular consequence: missense variant. On other transcripts: non-coding transcript variant (2), intron variant (1).
Genome position (GRCh38, 1-based): chr2:232,329,950, A>G. VCF-style: chr2-232329950-A-G. GRCh37 (hg19) VCF-style: chr2-233194660-A-G.
Other names: c.1582-13395A>G (NM_001257281.2); short protein forms D626G.
Identifiers: ClinVar variation 1513491 (VCV001513491.7), dbSNP rs2106348151, ClinGen allele CA350976211.